The following is an entry in ClinVar:

ClinVar aggregate classification (germline): Likely benign. Review status: criteria provided, multiple submitters, no conflicts (2 of 4 stars). 3 submissions from 3 submitters: Likely benign (3). Last evaluated 2024-11-28.

Conditions:
X-linked dominant chondrodysplasia, Chassaing-Lacombe type. Also called: Chondrodysplasia with platyspondyly, distinctive brachydactyly, hydrocephaly, and microphthalmia. Identifiers: Orphanet 163966, MedGen C3275476, MONDO:0010463, OMIM 300863.

Allele frequency attached by ClinVar (database versions not stated): gnomAD 0.00004; TOPMed 0.00005; ExAC 0.00007.
gnomAD v4.1: 91 of 1,207,972 alleles (0.0075%); highest among the groups gnomAD compares: Middle Eastern, 0.046%; no homozygotes.

Submissions (3):

Ambry Genetics
Classification: Likely benign. Last evaluated: 2024-11-28. Review status: criteria provided, single submitter. Criteria: Ambry Variant Classification Scheme 2023. Collection method: clinical testing. Allele origin: germline.

CeGaT Center for Human Genetics Tuebingen
Classification: Likely benign. Last evaluated: 2023-12-01. Review status: criteria provided, single submitter. Criteria: CeGaT Center For Human Genetics Tuebingen Variant Classification Criteria Version 2. Collection method: clinical testing. Allele origin: germline. Affected: yes. Observed: 1 variant allele.
Comment: HDAC6: BP4, BS2

Department of Pathology and Laboratory Medicine, Sinai Health System
Classification: Likely benign for X-linked dominant chondrodysplasia, Chassaing-Lacombe type. Last evaluated: 2021-09-29. Review status: criteria provided, single submitter. Criteria: ACMG Guidelines, 2015. Collection method: research. Allele origin: germline.

NM_006044.4(HDAC6):c.3100A>G (p.Thr1034Ala)

Gene: HDAC6 (histone deacetylase 6; plus strand). Cytogenetic location: Xp11.23.
Variant type: single nucleotide variant.
Coding change: c.3100A>G on transcript NM_006044.4 (MANE Select); coding-DNA position 3100, A replaced by G.
Protein change: p.Thr1034Ala; replaces threonine 1034 with alanine.
Molecular consequence: missense variant. On other transcripts: non-coding transcript variant (1).
Genome position (GRCh38, 1-based): chrX:48,823,499, A>G. VCF-style: chrX-48823499-A-G. GRCh37 (hg19) VCF-style: chrX-48681909-A-G.
Other names: c.3142A>G, p.Thr1048Ala (NM_001321225.2); c.3100A>G, p.Thr1034Ala (NM_001321226.2, NM_001321227.2, NM_001321228.2 and 1 more transcripts); c.3100A>G (NM_006044.2); short protein forms T1034A, T1048A.
Identifiers: ClinVar variation 3026086 (VCV003026086.24), dbSNP rs781933748, ClinGen allele CA10405361.
Genomic context (GRCh38, chrX:48,823,499, plus strand): 5'-GGGGGCACCGAGCTGATCCAAACTCCTCTAGCCTCGAGCACAGACCACCAGACCCCCCCA[A>G]CCTCACCTGTGCAGGGAACTACACCCCAGATATCTCCCAGTACACTGATTGGGAGTCTCA-3'
Protein context (NP_006035.2, residues 1024-1044): ASSTDHQTPP[Thr1034Ala]SPVQGTTPQI